The following is an entry in ClinVar:

Conditions:
Long QT syndrome 5 (LQT5). Identifiers: Orphanet 101016, Orphanet 768, MedGen C1867904, MONDO:0013372, OMIM 613695.

Submission:

Roden Lab, Vanderbilt University Medical Center
No classification provided (evidence only). Condition: Long QT syndrome 5. Review status: no classification provided. Collection method: in vitro. Allele origin: not applicable. Functional consequence: Effect on ion channel function.
ClinVar note: "not provided" was previously submitted as the classification for the variant. However, the classification appeared to be based only on an observation of functional data so it was converted to no classification on 2025-07-30.

NM_000219.6(KCNE1):c.376A>T (p.Lys126Ter)

Gene: KCNE1 (potassium voltage-gated channel subfamily E regulatory subunit 1; minus strand). Cytogenetic location: 21q22.12.
Variant type: single nucleotide variant.
Coding change: c.376A>T on transcript NM_000219.6 (MANE Select); coding-DNA position 376, A replaced by T.
Protein change: p.Lys126Ter; replaces lysine 126 with a stop codon.
Molecular consequence: nonsense.
Genome position (GRCh38, 1-based): chr21:34,449,259, T>A on the plus strand (A>T on the coding strand, the complement: KCNE1 is on the minus strand). VCF-style: chr21-34449259-T-A. GRCh37 (hg19) VCF-style: chr21-35821557-T-A.
Other names: c.376A>T, p.Lys126Ter (NM_001127668.4, NM_001127669.4, NM_001127670.4 and 4 more transcripts); short protein forms K126*.
Identifiers: ClinVar variation 3373859 (VCV003373859.2).